The following is an entry in ClinVar:

ClinVar aggregate classification (germline): Pathogenic. Review status: criteria provided, single submitter (1 of 4 stars). 2 submissions from 2 submitters: Pathogenic (1). 1 of the submissions does not count toward it. Last evaluated 2021-04-13.

Conditions:
Achromatopsia 3 (ACHM3). Also called: ACHROMATOPSIA WITH MYOPIA; ROD MONOCHROMACY 1; ROD MONOCHROMATISM 1; PINGELAPESE BLINDNESS; TOTAL COLORBLINDNESS WITH MYOPIA. Identifiers: Orphanet 49382, MedGen C1849792, MONDO:0009875, OMIM 262300.

Submissions (2):

Labcorp Genetics (formerly Invitae), Labcorp
Classification: Pathogenic. Last evaluated: 2021-04-13. Review status: criteria provided, single submitter. Criteria: Invitae Variant Classification Sherloc (09022015). Collection method: clinical testing. Allele origin: germline.
Comment: For these reasons, this variant has been classified as Pathogenic. This variant has been observed in individual(s) with clinical features of CNGB3-related conditions (PMID: 28795510). ClinVar contains an entry for this variant (Variation ID: 427648). This variant is not present in population databases (ExAC no frequency). This sequence change creates a premature translational stop signal (p.Pro94Leufs*30) in the CNGB3 gene. It is expected to result in an absent or disrupted protein product. Loss-of-function variants in CNGB3 are known to be pathogenic (PMID: 28795510).

Molecular Genetics Laboratory, Institute for Ophthalmic Research
Classification: Pathogenic for ACHM3. Last evaluated: 2017-03-27. Review status: no assertion criteria provided. Collection method: research. Allele origin: germline. Affected: yes. Not counted in ClinVar's aggregate classification.

Literature cited by the submitters: PubMed 28795510 (cited by Labcorp Genetics (formerly Invitae), Labcorp and Molecular Genetics Laboratory, Institute for Ophthalmic Research).

NM_019098.5(CNGB3):c.281_284del (p.Pro94fs)

Gene: CNGB3 (cyclic nucleotide gated channel subunit beta 3; minus strand). Cytogenetic location: 8q21.3.
Variant type: Deletion.
Coding change: c.281_284del on transcript NM_019098.5 (MANE Select); coding-DNA positions 281 to 284, 4 bases deleted (CAAC; older notation c.281_284delCAAC).
Protein change: p.Pro94fs; shifts the reading frame from proline 94.
Molecular consequence: frameshift variant.
Genome position (GRCh38, 1-based): chr8:86,726,585-86,726,588, GTTG deleted on the plus strand (CAAC on the coding strand, the reverse complement: CNGB3 is on the minus strand); deleting any 4 consecutive bases within chr8:86,726,585-86,726,591 gives the same sequence; the c. name uses the placement nearest the transcript's 3' end. VCF-style (leftmost placement, unchanged base first): chr8-86726584-AGTTG-A. GRCh37 (hg19) VCF-style: chr8-87738812-AGTTG-A.
Other names: c.281_284delCAAC (NM_019098.4); short protein forms P94fs.
Identifiers: ClinVar variation 427648 (VCV000427648.6), dbSNP rs1554618413, ClinGen allele CA645372470.